The following is an entry in ClinVar:

NM_001330311.2(DVL1):c.688C>A (p.Gln230Lys)

Gene: DVL1 (dishevelled segment polarity protein 1; minus strand). Cytogenetic location: 1p36.33.
Variant type: single nucleotide variant.
Coding change: c.688C>A on transcript NM_001330311.2 (MANE Select); coding-DNA position 688, C replaced by A.
Protein change: p.Gln230Lys; replaces glutamine 230 with lysine.
Molecular consequence: missense variant.
Genome position (GRCh38, 1-based): chr1:1,340,421, G>T on the plus strand (C>A on the coding strand, the complement: DVL1 is on the minus strand). VCF-style: chr1-1340421-G-T. GRCh37 (hg19) VCF-style: chr1-1275801-G-T.
Other names: c.688C>A (NM_004421.2); c.688C>A, p.Gln230Lys (NM_004421.3); short protein forms Q230K.
Identifiers: ClinVar variation 1494070 (VCV001494070.9), dbSNP rs760413915, ClinGen allele CA520534.

ClinVar aggregate classification (germline): Uncertain significance. Review status: criteria provided, multiple submitters, no conflicts (2 of 4 stars). 2 submissions from 2 submitters: Uncertain significance (2). Last evaluated 2025-12-03.

Conditions:
Inborn genetic diseases. Identifiers: MedGen C0950123, MeSH D030342.

Allele frequency attached by ClinVar (database versions not stated): gnomAD exomes 0.00001; ExAC 0.00004; gnomAD 0.00008 and 0.00009; TOPMed 0.00014.
gnomAD v4.1: 24 of 1,612,242 alleles (0.0015%); highest among the groups gnomAD compares: African/African-American, 0.029%; no homozygotes.

Submissions (2):

Labcorp Genetics (formerly Invitae), Labcorp
Classification: Uncertain significance. Last evaluated: 2025-12-03. Review status: criteria provided, single submitter. Criteria: Invitae Variant Classification Sherloc (09022015). Collection method: clinical testing. Allele origin: germline.
Comment: This sequence change replaces glutamine, which is neutral and polar, with lysine, which is basic and polar, at codon 230 of the DVL1 protein (p.Gln230Lys). This variant is present in population databases (rs760413915, gnomAD 0.03%). This variant has not been reported in the literature in individuals affected with DVL1-related conditions. ClinVar contains an entry for this variant (Variation ID: 1494070). Invitae Evidence Modeling of protein sequence and biophysical properties (such as structural, functional, and spatial information, amino acid conservation, physicochemical variation, residue mobility, and thermodynamic stability) indicates that this missense variant is not expected to disrupt DVL1 protein function with a negative predictive value of 80%. In summary, the available evidence is currently insufficient to determine the role of this variant in disease. Therefore, it has been classified as a Variant of Uncertain Significance.

Ambry Genetics
Classification: Uncertain significance for Inborn genetic diseases. Last evaluated: 2024-12-24. Review status: criteria provided, single submitter. Criteria: Ambry Variant Classification Scheme 2023. Collection method: clinical testing. Allele origin: germline.